The following is an entry in ClinVar:

NM_014244.5(ADAMTS2):c.525C>A (p.Cys175Ter)

Gene: ADAMTS2 (ADAM metallopeptidase with thrombospondin type 1 motif 2; minus strand). Cytogenetic location: 5q35.3.
Variant type: single nucleotide variant.
Coding change: c.525C>A on transcript NM_014244.5 (MANE Select); coding-DNA position 525, C replaced by A.
Protein change: p.Cys175Ter; replaces cysteine 175 with a stop codon.
Molecular consequence: nonsense.
Genome position (GRCh38, 1-based): chr5:179,343,776, G>T on the plus strand (C>A on the coding strand, the complement: ADAMTS2 is on the minus strand). VCF-style: chr5-179343776-G-T. GRCh37 (hg19) VCF-style: chr5-178770777-G-T.
Other names: c.525C>A, p.Cys175Ter (NM_021599.4); short protein forms C175*.
Identifiers: ClinVar variation 4067196 (VCV004067196.2).

ClinVar aggregate classification (germline): Likely pathogenic (1 of 4 stars; one submission).

Conditions:
Ehlers-Danlos syndrome, dermatosparaxis type. Also called: EDS VIIC; Dermatosparaxis; Ehlers-Danlos syndrome, type VII, autosomal recessive. Identifiers: Orphanet 1901, MedGen C2700425, MONDO:0009161, OMIM 225410.

Submission:

Natera, Inc.
Classification: Likely pathogenic for Ehlers-Danlos syndrome type VIIC. Last evaluated: 2025-02-05. Review status: criteria provided, single submitter. Criteria: Natera Variant Classification Schema (03/2026). Collection method: clinical testing. Allele origin: germline.
Comment: The c.525C>A variant in ADAMTS2 is a nonsense variant predicted to introduce a stop codon at amino acid 175. This variant is expected to result in nonsense mediated decay, truncation, or a dysfunctional protein product. This variant is rare in the general population with a frequency below the threshold expected for the associated phenotype(s). Given the available evidence, this variant is classified as Likely Pathogenic.